The following is an entry in ClinVar:

NM_003742.4(ABCB11):c.470A>G (p.Tyr157Cys)

Gene: ABCB11 (ATP binding cassette subfamily B member 11; minus strand). Cytogenetic location: 2q31.1.
Variant type: single nucleotide variant.
Coding change: c.470A>G on transcript NM_003742.4 (MANE Select); coding-DNA position 470, A replaced by G.
Protein change: p.Tyr157Cys; replaces tyrosine 157 with cysteine.
Molecular consequence: missense variant.
Genome position (GRCh38, 1-based): chr2:168,996,642, T>C on the plus strand (A>G on the coding strand, the complement: ABCB11 is on the minus strand). VCF-style: chr2-168996642-T-C. GRCh37 (hg19) VCF-style: chr2-169853152-T-C.
Other names: NM_003742.4:c.470A>G; short protein forms Y157C.
Identifiers: ClinVar variation 3776881 (VCV003776881.4).

ClinVar aggregate classification (germline): Conflicting classifications of pathogenicity. Review status: criteria provided, conflicting classifications (1 of 4 stars). 4 submissions from 4 submitters: Likely pathogenic (2); Uncertain significance (2). Last evaluated 2026-04-14.

Conditions:
ABCB11-related disorder. Also called: ABCB11-related condition.
Familial intrahepatic cholestasis. Identifiers: Orphanet 284385, MedGen CN296401, MONDO:0017290.
Progressive familial intrahepatic cholestasis type 2. Identifiers: Orphanet 79304, MedGen C3489789, MONDO:0011156, OMIM 601847.

gnomAD v4.1: 20 of 1,523,878 alleles (0.0013%); highest among the groups gnomAD compares: Non-Finnish European, 0.0016%; no homozygotes.

Submissions (4):

Genomenon, Inc
Classification: Likely pathogenic for Familial intrahepatic cholestasis. Last evaluated: 2026-04-14. Review status: criteria provided, single submitter. Criteria: Genomenon Sequence Variant Interpretation Standards - Updated. Collection method: curation. Allele origin: germline. Affected: yes.
Comment: ABCB11 p.Tyr157Cys (c.470A>G) is a missense variant that changes the amino acid at residue 157 from Tyrosine to Cysteine. This variant has been observed in at least one proband with an ABCB11-related disorder (PMID:35626323;29284646). The variant was found to segregate with disease in at least one affected family (PMID:29284646). It has been observed in trans with a pathogenic or likely pathogenic variant (PMID:29284646). It is absent or not present at a significant frequency in gnomAD. In silico models predict that this variant is possibly or probably damaging. In conclusion, we classify ABCB11 p.Tyr157Cys (c.470A>G) as a likely pathogenic variant.

Women's Health and Genetics/Laboratory Corporation of America, LabCorp
Classification: Uncertain significance. Last evaluated: 2025-11-06. Review status: criteria provided, single submitter. Criteria: LabCorp Variant Classification Summary - May 2015. Collection method: clinical testing. Allele origin: germline.
Comment: Variant summary: ABCB11 c.470A>G (p.Tyr157Cys) results in a non-conservative amino acid change in the encoded protein sequence. Algorithms developed to predict the effect of missense changes on protein structure and function all suggest that this variant is likely to be disruptive. The variant was absent in 192246 control chromosomes. c.470A>G has been observed in the presumed compound heterozygous state in at least 2 individual(s) affected with Progressive familial intrahepatic cholestasis type 1 (example, Hertel_2021, Strautnieks_2008). These data indicate that the variant may be associated with disease. To our knowledge, no experimental evidence demonstrating an impact on protein function has been reported. The following publications have been ascertained in the context of this evaluation (PMID: 34016879, 23758865, 35626323, 22795478, 33466755, 40508041, 29284646, 18395098). ClinVar contains an entry for this variant (Variation ID: 3776881). Based on the evidence outlined above, the variant was classified as VUS-possibly pathogenic.

Broad Center for Mendelian Genomics, Broad Institute of MIT and Harvard
Classification: Uncertain significance for Progressive familial intrahepatic cholestasis type 2. Last evaluated: 2025-02-03. Review status: criteria provided, single submitter. Criteria: ACMG Guidelines, 2015. Collection method: curation. Allele origin: germline. Inheritance: Autosomal recessive inheritance.
Comment: The p.Tyr157Arg variant in ABCB11 has been reported, in the compound heterozygous state, in 2 related individuals with BSEP deficiency (PMID: 18395098), and has been identified in In 0.002% (18/1127020) of European (non-Finnish) chromosomes by the Genome Aggregation Database (gnomAD). Although this variant has been seen in the general population in a heterozygous state, its frequency is low enough to be consistent with a recessive carrier frequency. Computational prediction tools and conservation analyses suggest that this variant may impact the protein, though this information is not predictive enough to determine pathogenicity. In summary, while there is some suspicion for a pathogenic role, the clinical significance of this variant is uncertain. ACMG/AMP Criteria applied: PP3_moderate, PM2_supporting (Richards 2015).

Blueprint Genetics
Classification: Likely pathogenic for ABCB11-related disorders. Last evaluated: 2021-07-07. Review status: criteria provided, single submitter. Criteria: ACMG Guidelines, 2015. Collection method: clinical testing. Allele origin: germline. Affected: yes. Observed: 2 variant alleles.

Literature cited by the submitters: PubMed 35626323 (cited by Genomenon, Inc and Women's Health and Genetics/Laboratory Corporation of America, LabCorp); PubMed 29284646 (cited by Genomenon, Inc and Women's Health and Genetics/Laboratory Corporation of America, LabCorp); PubMed 34016879 (cited by Women's Health and Genetics/Laboratory Corporation of America, LabCorp); PubMed 18395098 (cited by Women's Health and Genetics/Laboratory Corporation of America, LabCorp); PubMed 22795478 (cited by Women's Health and Genetics/Laboratory Corporation of America, LabCorp); PubMed 23758865 (cited by Women's Health and Genetics/Laboratory Corporation of America, LabCorp); PubMed 33466755 (cited by Women's Health and Genetics/Laboratory Corporation of America, LabCorp); PubMed 40508041 (cited by Women's Health and Genetics/Laboratory Corporation of America, LabCorp).